The following is an entry in ClinVar:

ClinVar aggregate classification (germline): Uncertain significance (1 of 4 stars; one submission).

Submission:

Labcorp Genetics (formerly Invitae), Labcorp
Classification: Uncertain significance. Last evaluated: 2024-07-16. Review status: criteria provided, single submitter. Criteria: Invitae Variant Classification Sherloc (09022015). Collection method: clinical testing. Allele origin: germline.
Comment: This sequence change replaces alanine, which is neutral and non-polar, with valine, which is neutral and non-polar, at codon 1699 of the MTOR protein (p.Ala1699Val). This variant is not present in population databases (gnomAD no frequency). This variant has not been reported in the literature in individuals affected with MTOR-related conditions. Advanced modeling of protein sequence and biophysical properties (such as structural, functional, and spatial information, amino acid conservation, physicochemical variation, residue mobility, and thermodynamic stability) performed at Invitae indicates that this missense variant is not expected to disrupt MTOR protein function with a negative predictive value of 95%. In summary, the available evidence is currently insufficient to determine the role of this variant in disease. Therefore, it has been classified as a Variant of Uncertain Significance.

NM_004958.4(MTOR):c.5096C>T (p.Ala1699Val)

Gene: MTOR (mechanistic target of rapamycin kinase; minus strand). Cytogenetic location: 1p36.22.
Variant type: single nucleotide variant.
Coding change: c.5096C>T on transcript NM_004958.4 (MANE Select); coding-DNA position 5096, C replaced by T.
Protein change: p.Ala1699Val; replaces alanine 1699 with valine.
Molecular consequence: missense variant.
Genome position (GRCh38, 1-based): chr1:11,139,338, G>A on the plus strand (C>T on the coding strand, the complement: MTOR is on the minus strand). VCF-style: chr1-11139338-G-A. GRCh37 (hg19) VCF-style: chr1-11199395-G-A.
Other names: c.5096C>T, p.Ala1699Val (NM_001386500.1); c.3848C>T, p.Ala1283Val (NM_001386501.1); short protein forms A1699V, A1283V.
Identifiers: ClinVar variation 3633483 (VCV003633483.2).